The following is an entry in ClinVar:

ClinVar aggregate classification (germline): Pathogenic. Review status: reviewed by expert panel (3 of 4 stars). 3 submissions from 3 submitters: Pathogenic (1). 2 of the submissions do not count toward it. Last evaluated 2016-09-08.

Conditions:
Breast-ovarian cancer, familial, susceptibility to, 2 (BROVCA2). Also called: BRCA2 Hereditary Breast and Ovarian Cancer. Identifiers: Orphanet 145, MedGen C2675520, MONDO:0012933, OMIM 612555. Disease mechanism: loss of function.

Submissions (3):

Evidence-based Network for the Interpretation of Germline Mutant Alleles (ENIGMA)
Classification: Pathogenic for Breast-ovarian cancer, familial, susceptibility to, 2. Last evaluated: 2016-09-08. Review status: reviewed by expert panel. Criteria: ENIGMA BRCA1/2 Classification Criteria (2015). Collection method: curation. Allele origin: germline.
Comment: Variant allele predicted to encode a truncated non-functional protein.

Consortium of Investigators of Modifiers of BRCA1/2 (CIMBA), c/o University of Cambridge
Classification: Pathogenic for Breast-ovarian cancer, familial, susceptibility to, 2. Last evaluated: 2015-10-02. Review status: criteria provided, single submitter. Criteria: CIMBA Mutation Classification guidelines May 2016. Collection method: clinical testing. Allele origin: germline. Not counted in ClinVar's aggregate classification.

Breast Cancer Information Core (BIC) (BRCA2)
Classification: Pathogenic for Breast-ovarian cancer, familial 2. Review status: no assertion criteria provided. Collection method: clinical testing. Allele origin: germline. Affected: yes. Observed: 1 variant allele. Not counted in ClinVar's aggregate classification.

NM_000059.4(BRCA2):c.3269del (p.Met1090fs)

Gene: BRCA2 (BRCA2 DNA repair associated; plus strand). Cytogenetic location: 13q13.1.
Variant type: Deletion.
Coding change: c.3269del on transcript NM_000059.4 (MANE Select); coding-DNA position 3269, one base deleted (T; older notation c.3269delT).
Protein change: p.Met1090fs; shifts the reading frame from methionine 1090.
Molecular consequence: frameshift variant.
Genome position (GRCh38, 1-based): chr13:32,337,624, T deleted. VCF-style (leftmost placement, unchanged base first): chr13-32337623-AT-A. GRCh37 (hg19) VCF-style: chr13-32911760-AT-A.
Other names: 3497delT; c.3269delT (NM_000059.3).
Identifiers: ClinVar variation 51440 (VCV000051440.5), dbSNP rs80359381, ClinGen allele CA017683.